The following is an entry in ClinVar:

NM_003632.3(CNTNAP1):c.293C>G (p.Thr98Arg)

Gene: CNTNAP1 (contactin associated protein 1; plus strand). Cytogenetic location: 17q21.2.
Variant type: single nucleotide variant.
Coding change: c.293C>G on transcript NM_003632.3 (MANE Select); coding-DNA position 293, C replaced by G.
Protein change: p.Thr98Arg; replaces threonine 98 with arginine.
Molecular consequence: missense variant.
Genome position (GRCh38, 1-based): chr17:42,684,159, C>G. VCF-style: chr17-42684159-C-G. GRCh37 (hg19) VCF-style: chr17-40836177-C-G.
Other names: short protein forms T98R.
Identifiers: ClinVar variation 5005759 (VCV005005759.2).
Genomic context (GRCh38, chr17:42,684,159, plus strand): 5'-AGAAGCACCGGATCCGGGCCGTGGCCACACAGGGCTCCTTTAATTCTTGGGACTGGGTCA[C>G]ACGTTACATGCTACTCTACGGCGACCGAGTGGACAGCTGGACACCGTTCTACCAGCGAGG-3'
Protein context (NP_003623.1, residues 88-108): QGSFNSWDWV[Thr98Arg]RYMLLYGDRV

ClinVar aggregate classification (germline): Uncertain significance (1 of 4 stars; one submission).

Conditions:
Neuropathy, congenital hypomyelinating, 3. Identifiers: MedGen C4748608, MONDO:0020766, OMIM 618186.
Lethal congenital contracture syndrome 7 (LCCS7). Identifiers: MedGen C4225386, MONDO:0014569, OMIM 616286.

Submission:

Juno Genomics, Hangzhou Juno Genomics, Inc
Classification: Uncertain significance for Neuropathy, congenital hypomyelinating, 3; Lethal congenital contracture syndrome 7. Review status: criteria provided, single submitter. Criteria: ACMG Guidelines, 2015. Collection method: clinical testing. Allele origin: germline.
Comment: Absent from controls (or at extremely low frequency if recessive) in Genome Aggregation Database.;Missense variant in a gene that has a low rate of benign missense variation.;Multiple lines of computational evidence support a deleterious effect on the gene or gene product.